The following is an entry in ClinVar:

NM_006767.4(LZTR1):c.1793G>A (p.Cys598Tyr)

Gene: LZTR1 (leucine zipper like post translational regulator 1; plus strand). Cytogenetic location: 22q11.21.
Variant type: single nucleotide variant.
Coding change: c.1793G>A on transcript NM_006767.4 (MANE Select); coding-DNA position 1793, G replaced by A.
Protein change: p.Cys598Tyr; replaces cysteine 598 with tyrosine.
Molecular consequence: missense variant.
Genome position (GRCh38, 1-based): chr22:20,994,877, G>A. VCF-style: chr22-20994877-G-A. GRCh37 (hg19) VCF-style: chr22-21349166-G-A.
Other names: short protein forms C598Y.
Identifiers: ClinVar variation 1723707 (VCV001723707.4), dbSNP rs1315521067, ClinGen allele CA410778465.

ClinVar aggregate classification (germline): Uncertain significance. Review status: criteria provided, multiple submitters, no conflicts (2 of 4 stars). 2 submissions from 2 submitters: Uncertain significance (2). Last evaluated 2024-10-17.

Allele frequency attached by ClinVar (database versions not stated): gnomAD exomes below 0.00001.

Submissions (2):

Labcorp Genetics (formerly Invitae), Labcorp
Classification: Uncertain significance. Last evaluated: 2024-10-17. Review status: criteria provided, single submitter. Criteria: Invitae Variant Classification Sherloc (09022015). Collection method: clinical testing. Allele origin: germline.
Comment: This sequence change replaces cysteine, which is neutral and slightly polar, with tyrosine, which is neutral and polar, at codon 598 of the LZTR1 protein (p.Cys598Tyr). This variant is present in population databases (no rsID available, gnomAD 0.0009%). This variant has not been reported in the literature in individuals affected with LZTR1-related conditions. ClinVar contains an entry for this variant (Variation ID: 1723707). Invitae Evidence Modeling of protein sequence and biophysical properties (such as structural, functional, and spatial information, amino acid conservation, physicochemical variation, residue mobility, and thermodynamic stability) indicates that this missense variant is not expected to disrupt LZTR1 protein function with a negative predictive value of 80%. In summary, the available evidence is currently insufficient to determine the role of this variant in disease. Therefore, it has been classified as a Variant of Uncertain Significance.

GeneDx
Classification: Uncertain significance. Last evaluated: 2022-05-09. Review status: criteria provided, single submitter. Criteria: GeneDx Variant Classification Process June 2021. Collection method: clinical testing. Allele origin: germline. Affected: yes.
Comment: Not observed at significant frequency in large population cohorts (gnomAD); In silico analysis supports that this missense variant has a deleterious effect on protein structure/function; Has not been previously published as pathogenic or benign to our knowledge; This variant is associated with the following publications: (PMID: 30006736)